The following is an entry in ClinVar:

ClinVar aggregate classification (germline): Uncertain significance (1 of 4 stars; one submission).

Conditions:
Hypertrophic cardiomyopathy. Also called: HYPERTROPHIC MYOCARDIOPATHY. Identifiers: Orphanet 217569, MedGen C0007194, MeSH D002312, MONDO:0005045, HP:0001639.

Submission:

Labcorp Genetics (formerly Invitae), Labcorp
Classification: Uncertain significance for Hypertrophic cardiomyopathy. Last evaluated: 2025-09-11. Review status: criteria provided, single submitter. Criteria: Invitae Variant Classification Sherloc (09022015). Collection method: clinical testing. Allele origin: germline.
Comment: This sequence change disrupts the translational stop signal of the TNNI3 mRNA. It is expected to extend the length of the TNNI3 protein by 20 additional amino acid residues. This variant is not present in population databases (gnomAD no frequency). This variant has not been reported in the literature in individuals affected with TNNI3-related conditions. Experimental studies and prediction algorithms are not available or were not evaluated, and the functional significance of this variant is currently unknown. In summary, the available evidence is currently insufficient to determine the role of this variant in disease. Therefore, it has been classified as a Variant of Uncertain Significance.

NM_000363.5(TNNI3):c.631T>C (p.Ter211Arg)

Gene: TNNI3 (troponin I3, cardiac type; minus strand). Cytogenetic location: 19q13.42.
Variant type: single nucleotide variant.
Coding change: c.631T>C on transcript NM_000363.5 (MANE Select); coding-DNA position 631, T replaced by C.
Protein change: p.Ter211Arg.
Molecular consequence: stop lost.
Genome position (GRCh38, 1-based): chr19:55,151,836, A>G on the plus strand (T>C on the coding strand, the complement: TNNI3 is on the minus strand). VCF-style: chr19-55151836-A-G. GRCh37 (hg19) VCF-style: chr19-55663204-A-G.
Identifiers: ClinVar variation 4716751 (VCV004716751.1).